The following is an entry in ClinVar:

NM_001261826.3(AP3D1):c.3350+6del

Gene: AP3D1 (adaptor related protein complex 3 subunit delta 1; minus strand). Cytogenetic location: 19p13.3.
Variant type: Deletion.
Coding change: c.3350+6del on transcript NM_001261826.3 (MANE Select); 6 bases into the intron after coding-DNA position 3350, one base deleted (G; older notation c.3350+6delG).
Molecular consequence: intron variant.
Genome position (GRCh38, 1-based): chr19:2,109,867, C deleted on the plus strand (G on the coding strand, the reverse complement: AP3D1 is on the minus strand); the first of 4 consecutive C bases (chr19:2,109,867-2,109,870); deleting any one gives the same sequence. VCF-style (leftmost placement, unchanged base first): chr19-2109866-GC-G. GRCh37 (hg19) VCF-style: chr19-2109865-GC-G.
Other names: c.3164+6del (NM_003938.8); c.3314+6del (NM_001374799.1).
Identifiers: ClinVar variation 3694103 (VCV003694103.2).

ClinVar aggregate classification (germline): Uncertain significance (1 of 4 stars; one submission).

Submission:

Labcorp Genetics (formerly Invitae), Labcorp
Classification: Uncertain significance. Last evaluated: 2024-03-04. Review status: criteria provided, single submitter. Criteria: Invitae Variant Classification Sherloc (09022015). Collection method: clinical testing. Allele origin: germline.
Comment: This sequence change falls in intron 29 of the AP3D1 gene. It does not directly change the encoded amino acid sequence of the AP3D1 protein. It affects a nucleotide within the consensus splice site. This variant is not present in population databases (gnomAD no frequency). This variant has not been reported in the literature in individuals affected with AP3D1-related conditions. Variants that disrupt the consensus splice site are a relatively common cause of aberrant splicing (PMID: 17576681, 9536098). Algorithms developed to predict the effect of sequence changes on RNA splicing suggest that this variant is not likely to affect RNA splicing. In summary, the available evidence is currently insufficient to determine the role of this variant in disease. Therefore, it has been classified as a Variant of Uncertain Significance.

Literature cited by the submitters: PubMed 17576681; PubMed 9536098.